The following is an entry in ClinVar:

ClinVar aggregate classification (germline): Uncertain significance (1 of 4 stars; one submission).

Conditions:
Long QT syndrome (LQTS). Identifiers: MedGen C0023976, MeSH D008133, MONDO:0002442. Disease mechanism: loss of function. Inheritance: Various modes of inheritance.

Submission:

All of Us Research Program, National Institutes of Health
Classification: Uncertain significance for Long QT syndrome. Last evaluated: 2023-06-26. Review status: criteria provided, single submitter. Criteria: ACMG Guidelines, 2015. Collection method: clinical testing. Allele origin: germline. Inheritance: Autosomal dominant inheritance. Observed: 1 variant allele, 1 heterozygote.
Comment: This missense variant replaces aspartic acid with asparagine at codon 1156 of the KCNH2 protein. Computational prediction is inconclusive regarding the impact of this variant on protein structure and function (internally defined REVEL score threshold 0.5 < inconclusive < 0.7, PMID: 27666373). To our knowledge, functional studies have not been reported for this variant. This variant has not been reported in individuals affected with KCNH2-related disorders in the literature. This variant has not been identified in the general population by the Genome Aggregation Database (gnomAD). The available evidence is insufficient to determine the role of this variant in disease conclusively. Therefore, this variant is classified as a Variant of Uncertain Significance.

This study involves interpretation of variants in research participants for the purpose of population health screening. Participant phenotype was not available at the time of variant classification. Additional details can be found in publication PMID: 35346344, PMCID: PMC8962531

NM_000238.4(KCNH2):c.3466G>A (p.Asp1156Asn)

Gene: KCNH2 (potassium voltage-gated channel subfamily H member 2; minus strand). Cytogenetic location: 7q36.1.
Variant type: single nucleotide variant.
Coding change: c.3466G>A on transcript NM_000238.4 (MANE Select); coding-DNA position 3466, G replaced by A.
Protein change: p.Asp1156Asn; replaces aspartic acid 1156 with asparagine.
Molecular consequence: missense variant. On other transcripts: non-coding transcript variant (2).
Genome position (GRCh38, 1-based): chr7:150,945,379, C>T on the plus strand (G>A on the coding strand, the complement: KCNH2 is on the minus strand). VCF-style: chr7-150945379-C-T. GRCh37 (hg19) VCF-style: chr7-150642467-C-T.
Other names: c.3178G>A, p.Asp1060Asn (NM_001406753.1); c.2446G>A, p.Asp816Asn (NM_172057.3); short protein forms D1060N, D1156N, D816N.
Identifiers: ClinVar variation 3071983 (VCV003071983.1), dbSNP rs2116917171, ClinGen allele CA369851365.